The following is an entry in ClinVar:

ClinVar aggregate classification (germline): Uncertain significance (1 of 4 stars; one submission).

Allele frequency attached by ClinVar (database versions not stated): ExAC 0.00001.

Submission:

GeneDx
Classification: Uncertain significance. Last evaluated: 2017-05-09. Review status: criteria provided, single submitter. Criteria: GeneDx Variant Classification (06012015). Collection method: clinical testing. Allele origin: germline. Affected: yes.
Comment: A variant of uncertain significance has been identified in the TUBB3 gene. The R380H variant has not been published as a pathogenic variant, nor has it been reported as a benign variant to our knowledge. The R380H variant is not observed at a significant frequency in large population cohorts (Lek et al., 2016; 1000 Genomes Consortium et al., 2015; Exome Variant Server). This substitution occurs at a position that is conserved across species, and a different missense variant at the same position, R380C, has been reported previously in association with TUBB3-related disorders (Tischfield et al., 2010; Srivastava et al., 2014). In silico analysis predicts this variant is probably damaging to the protein structure/function. However, the R380H variant is a conservative amino acid substitution, which is not likely to impact secondary protein structure as these residues share similar properties. Therefore, based on the currently available information, it is unclear whether this variant is a pathogenic variant or a rare benign variant.

NM_006086.4(TUBB3):c.1139G>A (p.Arg380His)

Gene: TUBB3 (tubulin beta 3 class III; plus strand). Cytogenetic location: 16q24.3.
Variant type: single nucleotide variant.
Coding change: c.1139G>A on transcript NM_006086.4 (MANE Select); coding-DNA position 1139, G replaced by A.
Protein change: p.Arg380His; replaces arginine 380 with histidine.
Molecular consequence: missense variant.
Genome position (GRCh38, 1-based): chr16:89,935,590, G>A. VCF-style: chr16-89935590-G-A. GRCh37 (hg19) VCF-style: chr16-90001998-G-A.
Other names: c.923G>A, p.Arg308His (NM_001197181.2); short protein forms R308H, R380H.
Identifiers: ClinVar variation 429413 (VCV000429413.2), dbSNP rs777149755, ClinGen allele CA8256212.